The following is an entry in ClinVar:

NM_000059.4(BRCA2):c.8931T>G (p.Tyr2977Ter)

Gene: BRCA2 (BRCA2 DNA repair associated; plus strand). Cytogenetic location: 13q13.1.
Variant type: single nucleotide variant.
Coding change: c.8931T>G on transcript NM_000059.4 (MANE Select); coding-DNA position 8931, T replaced by G.
Protein change: p.Tyr2977Ter; replaces tyrosine 2977 with a stop codon.
Molecular consequence: nonsense.
Genome position (GRCh38, 1-based): chr13:32,379,493, T>G. VCF-style: chr13-32379493-T-G. GRCh37 (hg19) VCF-style: chr13-32953630-T-G.
Other names: short protein forms Y2977*.
Identifiers: ClinVar variation 545979 (VCV000545979.4), dbSNP rs886040801, ClinGen allele CA387757303.
Genomic context (GRCh38, chr13:32,379,493, plus strand): 5'-AAAGGAACAAGGTTTATCAAGGGATGTCACAACCGTGTGGAAGTTGCGTATTGTAAGCTA[T>G]TCAAAAAAAGAAAAAGATTCAGGTAAGTATGTAAATGCTTTGTTTTTATCAGTTTTATTA-3'

ClinVar aggregate classification (germline): Pathogenic. Review status: criteria provided, multiple submitters, no conflicts (2 of 4 stars). 2 submissions from 2 submitters: Pathogenic (2). Last evaluated 2024-07-28.

Conditions:
Hereditary breast ovarian cancer syndrome. Also called: Hereditary breast and ovarian cancer; Hereditary breast and/or ovarian cancer syndrome; Hereditary breast and ovarian cancer syndrome; Hereditary breast and ovarian cancer syndrome (HBOC); Breast and ovarian cancer; BRCA1- and BRCA2-Associated Hereditary Breast and Ovarian Cancer. Identifiers: Orphanet 145, MedGen C0677776, MeSH D061325, MONDO:0003582. Disease mechanism: loss of function.

Submissions (2):

Labcorp Genetics (formerly Invitae), Labcorp
Classification: Pathogenic for Hereditary breast ovarian cancer syndrome. Last evaluated: 2024-07-28. Review status: criteria provided, single submitter. Criteria: Invitae Variant Classification Sherloc (09022015). Collection method: clinical testing. Allele origin: germline.
Comment: This sequence change creates a premature translational stop signal (p.Tyr2977*) in the BRCA2 gene. It is expected to result in an absent or disrupted protein product. Loss-of-function variants in BRCA2 are known to be pathogenic (PMID: 20104584). This variant is not present in population databases (gnomAD no frequency). This premature translational stop signal has been observed in individual(s) with a personal and/or family history of breast and/or ovarian cancer (PMID: 29446198). ClinVar contains an entry for this variant (Variation ID: 545979). For these reasons, this variant has been classified as Pathogenic.

GeneDx
Classification: Pathogenic. Last evaluated: 2018-03-05. Review status: criteria provided, single submitter. Criteria: GeneDx Variant Classification (06012015). Collection method: clinical testing. Allele origin: germline. Affected: yes.
Comment: This variant is denoted BRCA2 c.8931T>G at the cDNA level and p.Tyr2977Ter (Y2977X) at the protein level. The substitution creates a nonsense variant, which changes a Tyrosine to a premature stop codon (TAT>TAG), and is predicted to cause loss of normal protein function through either protein truncation or nonsense-mediated mRNA decay. Although this variant has not, to our knowledge, been reported in the literature, it is considered pathogenic.

Literature cited by the submitters: PubMed 20104584 (cited by Labcorp Genetics (formerly Invitae), Labcorp); PubMed 29446198 (cited by Labcorp Genetics (formerly Invitae), Labcorp).